The following is an entry in ClinVar:

NM_007118.4(TRIO):c.7136C>G (p.Pro2379Arg)

Gene: TRIO (trio Rho guanine nucleotide exchange factor; plus strand). Cytogenetic location: 5p15.2.
Variant type: single nucleotide variant.
Coding change: c.7136C>G on transcript NM_007118.4 (MANE Select); coding-DNA position 7136, C replaced by G.
Protein change: p.Pro2379Arg; replaces proline 2379 with arginine.
Molecular consequence: missense variant.
Genome position (GRCh38, 1-based): chr5:14,487,764, C>G. VCF-style: chr5-14487764-C-G. GRCh37 (hg19) VCF-style: chr5-14487873-C-G.
Other names: short protein forms P2379R.
Identifiers: ClinVar variation 1214803 (VCV001214803.10), dbSNP rs781081298, ClinGen allele CA3207339.

ClinVar aggregate classification (germline): Conflicting classifications of pathogenicity. Review status: criteria provided, conflicting classifications (1 of 4 stars). 3 submissions from 3 submitters: Uncertain significance (2); Likely benign (1). Last evaluated 2025-05-23.

Conditions:
Inborn genetic diseases. Identifiers: MedGen C0950123, MeSH D030342.

Allele frequency attached by ClinVar (database versions not stated): ExAC 0.00006.
gnomAD v4.1: 146 of 1,376,696 alleles (0.011%); highest among the groups gnomAD compares: Middle Eastern, 0.02%; no homozygotes.

Submissions (3):

Ambry Genetics
Classification: Uncertain significance for Inborn genetic diseases. Last evaluated: 2025-05-23. Review status: criteria provided, single submitter. Criteria: Ambry Variant Classification Scheme 2023. Collection method: clinical testing. Allele origin: germline.

GeneDx
Classification: Likely benign. Last evaluated: 2020-07-10. Review status: criteria provided, single submitter. Criteria: GeneDx Variant Classification Process June 2021. Collection method: clinical testing. Allele origin: germline. Affected: yes.
Comment: In silico analysis, which includes protein predictors and evolutionary conservation, supports that this variant does not alter protein structure/function; Has not been previously published as pathogenic or benign to our knowledge

Revvity Omics, Revvity
Classification: Uncertain significance. Last evaluated: 2019-08-23. Review status: criteria provided, single submitter. Criteria: ACMG Guidelines, 2015. Collection method: clinical testing. Allele origin: germline.